The following is an entry in ClinVar:

ClinVar aggregate classification (germline): Uncertain significance (1 of 4 stars; one submission).

Conditions:
Autosomal recessive limb-girdle muscular dystrophy type 2J (LGMDR10). Also called: Limb-girdle muscular dystrophy, type 2J; MUSCULAR DYSTROPHY, LIMB-GIRDLE, AUTOSOMAL RECESSIVE 10. Identifiers: Orphanet 140922, MedGen C1837342, MONDO:0012127, OMIM 608807.
Dilated cardiomyopathy 1G (CMD1G). Identifiers: Orphanet 154, MedGen C1858763, MONDO:0011400, OMIM 604145.

Submission:

Labcorp Genetics (formerly Invitae), Labcorp
Classification: Uncertain significance for Dilated cardiomyopathy 1G; Autosomal recessive limb-girdle muscular dystrophy type 2J. Last evaluated: 2017-10-04. Review status: criteria provided, single submitter. Criteria: Invitae Variant Classification Sherloc (09022015). Collection method: clinical testing. Allele origin: germline.
Comment: This variant identified in the TTN gene is located in the A band of the resulting protein (PMID: 25589632). It is unclear how this variant impacts the function of this protein. In summary, the available evidence is currently insufficient to determine the role of this variant in disease. Therefore, it has been classified as a Variant of Uncertain Significance. Algorithms developed to predict the effect of sequence changes on RNA splicing suggest that this variant may create or strengthen a splice site, but this prediction has not been confirmed by published transcriptional studies. Algorithms developed to predict the effect of missense changes on protein structure and function are unavailable for the TTN gene. The lysine amino acid residue is found in multiple mammalian species, suggesting that this missense change does not adversely affect protein function. This variant has not been reported in the literature in individuals with TTN-related disease. This variant is not present in population databases (ExAC no frequency). This sequence change replaces arginine with lysine at codon 29413 of the TTN protein (p.Arg29413Lys). The arginine residue is moderately conserved and there is a small physicochemical difference between arginine and lysine.

Literature cited by the submitters: PubMed 25589632.

NM_001267550.2(TTN):c.88238G>A (p.Arg29413Lys)

Genes: TTN (titin; minus strand), TTN-AS1 (TTN antisense RNA 1; plus strand). Cytogenetic location: 2q31.2.
Variant type: single nucleotide variant.
Coding change: c.88238G>A on transcript NM_001267550.2 (MANE Select); coding-DNA position 88238, G replaced by A.
Protein change: p.Arg29413Lys; replaces arginine 29413 with lysine.
Molecular consequence: missense variant.
Genome position (GRCh38, 1-based): chr2:178,556,916, C>T on the plus strand (G>A on the coding strand, the complement: TTN is on the minus strand). VCF-style: chr2-178556916-C-T. GRCh37 (hg19) VCF-style: chr2-179421643-C-T.
Other names: c.83315G>A, p.Arg27772Lys (NM_001256850.1); c.61043G>A, p.Arg20348Lys (NM_003319.4); c.80534G>A, p.Arg26845Lys (NM_133378.4); c.61418G>A, p.Arg20473Lys (NM_133432.3); c.61619G>A, p.Arg20540Lys (NM_133437.4); short protein forms R29413K, R27772K, R26845K, R20540K, R20348K, R20473K.
Identifiers: ClinVar variation 535049 (VCV000535049.7), dbSNP rs1553551467, ClinGen allele CA349530609.